The following is an entry in ClinVar:

ClinVar aggregate classification (germline): Uncertain significance. Review status: criteria provided, multiple submitters, no conflicts (2 of 4 stars). 4 submissions from 4 submitters: Uncertain significance (3). 1 of the submissions does not count toward it. Last evaluated 2024-12-15.

Conditions:
Inborn genetic diseases. Identifiers: MedGen C0950123, MeSH D030342.
Acute myeloid leukemia (AML). Also called: Acute myeloid leukemia, adult; AML adult; Acute non-lymphocytic leukemia; Acute granulocytic leukemia; Leukemia, acute myeloid, somatic; Leukemia, acute myelogenous, somatic. Identifiers: Orphanet 519, MedGen C0023467, MeSH D015470, MONDO:0018874, OMIM 601626, HP:0004808. Disease mechanism: Constitutively activated FLT3.
CEBPA-related disorder. Also called: CEBPA-related condition.

Allele frequency attached by ClinVar (database versions not stated): gnomAD exomes below 0.00001.

Submissions (4):

Ambry Genetics
Classification: Uncertain significance for Inborn genetic diseases. Last evaluated: 2024-12-15. Review status: criteria provided, single submitter. Criteria: Ambry Variant Classification Scheme 2023. Collection method: clinical testing. Allele origin: germline.
Comment: The p.V150F variant (also known as c.448G>T), located in coding exon 1 of the CEBPA gene, results from a G to T substitution at nucleotide position 448. The valine at codon 150 is replaced by phenylalanine, an amino acid with highly similar properties. This amino acid position is conserved. In addition, this alteration is predicted to be tolerated by in silico analysis. Based on the available evidence, the clinical significance of this variant remains unclear.

Labcorp Genetics (formerly Invitae), Labcorp
Classification: Uncertain significance for Acute myeloid leukemia. Last evaluated: 2024-04-22. Review status: criteria provided, single submitter. Criteria: Invitae Variant Classification Sherloc (09022015). Collection method: clinical testing. Allele origin: germline.
Comment: This sequence change replaces valine, which is neutral and non-polar, with phenylalanine, which is neutral and non-polar, at codon 150 of the CEBPA protein (p.Val150Phe). The frequency data for this variant in the population databases is considered unreliable, as metrics indicate insufficient coverage at this position in the gnomAD database. This variant has not been reported in the literature in individuals affected with CEBPA-related conditions. ClinVar contains an entry for this variant (Variation ID: 662342). An algorithm developed to predict the effect of missense changes on protein structure and function (PolyPhen-2) suggests that this variant is likely to be tolerated. In summary, the available evidence is currently insufficient to determine the role of this variant in disease. Therefore, it has been classified as a Variant of Uncertain Significance.

Baylor Genetics
Classification: Uncertain significance for Acute myeloid leukemia. Last evaluated: 2023-11-11. Review status: criteria provided, single submitter. Criteria: ACMG Guidelines, 2015. Collection method: clinical testing. Allele origin: unknown.

PreventionGenetics, part of Exact Sciences
Classification: Uncertain significance for CEBPA-related condition. Last evaluated: 2024-08-26. Review status: no assertion criteria provided. Collection method: clinical testing. Allele origin: germline. Not counted in ClinVar's aggregate classification.
Comment: The CEBPA c.448G>T variant is predicted to result in the amino acid substitution p.Val150Phe. To our knowledge, this variant has not been reported in the literature or in a large population database, indicating this variant is rare. This variant has an interpretation of uncertain significance in ClinVar. At this time, the clinical significance of this variant is uncertain due to the absence of conclusive functional and genetic evidence.

NM_004364.5(CEBPA):c.448G>T (p.Val150Phe)

Gene: CEBPA (CCAAT enhancer binding protein alpha; minus strand). Cytogenetic location: 19q13.11.
Variant type: single nucleotide variant.
Coding change: c.448G>T on transcript NM_004364.5 (MANE Select); coding-DNA position 448, G replaced by T.
Protein change: p.Val150Phe; replaces valine 150 with phenylalanine.
Molecular consequence: missense variant.
Genome position (GRCh38, 1-based): chr19:33,301,967, C>A on the plus strand (G>T on the coding strand, the complement: CEBPA is on the minus strand). VCF-style: chr19-33301967-C-A. GRCh37 (hg19) VCF-style: chr19-33792873-C-A.
Other names: c.91G>T, p.Val31Phe (NM_001285829.2); c.553G>T, p.Val185Phe (NM_001287424.2); c.406G>T, p.Val136Phe (NM_001287435.2); c.448G>T (NM_004364.3); short protein forms V136F, V185F, V31F, V150F.
Identifiers: ClinVar variation 662342 (VCV000662342.14), dbSNP rs1600023056, ClinGen allele CA405274931.